The following is an entry in ClinVar:

NM_000321.3(RB1):c.1422-5T>G

Gene: RB1 (RB transcriptional corepressor 1; plus strand). Cytogenetic location: 13q14.2.
Variant type: single nucleotide variant.
Coding change: c.1422-5T>G on transcript NM_000321.3 (MANE Select); 5 bases into the intron before coding-DNA position 1422, T replaced by G.
Molecular consequence: intron variant.
Genome position (GRCh38, 1-based): chr13:48,380,160, T>G. VCF-style: chr13-48380160-T-G. GRCh37 (hg19) VCF-style: chr13-48954296-T-G.
Other names: c.1422-5T>G (NM_001407165.1, NM_001407166.1).
Identifiers: ClinVar variation 4151176 (VCV004151176.1).
Genomic context (GRCh38, chr13:48,380,160, plus strand): 5'-TTAGTAAAAAATTTTTTTCTTTTTATAGAAGTAAGTATTTTATAATCTTTTTTTTTTTCC[T>G]TTAGCAAACTTCTGAATGACAACATTTTTCATATGTCTTTATTGGCGTGCGCTCTTGAGG-3'

ClinVar aggregate classification (germline): Uncertain significance (1 of 4 stars; one submission).

Conditions:
Hereditary cancer-predisposing syndrome. Also called: Hereditary neoplastic syndrome; Neoplastic Syndromes, Hereditary; Tumor predisposition; Hereditary Cancer Syndrome. Identifiers: Orphanet 140162, MedGen C0027672, MeSH D009386, MONDO:0015356.

Submission:

Ambry Genetics
Classification: Uncertain significance for Hereditary cancer-predisposing syndrome. Last evaluated: 2025-06-26. Review status: criteria provided, single submitter. Criteria: Ambry Variant Classification Scheme 2023. Collection method: clinical testing. Allele origin: germline.
Comment: The c.1422-5T>G intronic variant results from a T to G substitution 5 nucleotides upstream from coding exon 16 in the RB1 gene. This nucleotide position is well conserved in available vertebrate species. In silico splice site analysis for this alteration is inconclusive. Based on the available evidence, the clinical significance of this variant remains unclear.